The following is an entry in ClinVar:

ClinVar aggregate classification (germline): Benign. Review status: criteria provided, multiple submitters, no conflicts (2 of 4 stars). 3 submissions from 3 submitters: Benign (3). Last evaluated 2026-01-01.

Allele frequency attached by ClinVar (database versions not stated): 1000 Genomes Project 0.00319; 1000 Genomes Project 30x 0.00375; ExAC 0.00640; TOPMed 0.00671; gnomAD exomes 0.00683 and 0.00998; gnomAD 0.00693 and 0.00702; ESP Exome Variant Server 0.00838.
gnomAD v4.1: 15,528 of 1,614,140 alleles (0.96%); highest among the groups gnomAD compares: Non-Finnish European, 1.2%; 109 homozygotes.

Submissions (3):

CeGaT Center for Human Genetics Tuebingen
Classification: Benign. Last evaluated: 2026-01-01. Review status: criteria provided, single submitter. Criteria: CeGaT Center For Human Genetics Tuebingen Variant Classification Criteria Version 2. Collection method: clinical testing. Allele origin: germline. Affected: yes. Observed: 2 variant alleles.
Comment: CFAP43: BP4, BP7, BS1, BS2

Labcorp Genetics (formerly Invitae), Labcorp
Classification: Benign. Last evaluated: 2019-12-31. Review status: criteria provided, single submitter. Criteria: Invitae Variant Classification Sherloc (09022015). Collection method: clinical testing. Allele origin: germline.

Breakthrough Genomics
Classification: Benign. Review status: criteria provided, single submitter. Criteria: ACMG Guidelines, 2015. Collection method: not provided. Allele origin: germline. Inheritance: Autosomal recessive inheritance. Affected: yes.

NM_025145.7(CFAP43):c.2100G>T (p.Val700=)

Gene: CFAP43 (cilia and flagella associated protein 43; minus strand). Cytogenetic location: 10q25.1.
Variant type: single nucleotide variant.
Coding change: c.2100G>T on transcript NM_025145.7 (MANE Select); coding-DNA position 2100, G replaced by T.
Protein change: p.Val700=; no amino-acid change (valine 700 retained).
Molecular consequence: synonymous variant.
Genome position (GRCh38, 1-based): chr10:104,185,057, C>A on the plus strand (G>T on the coding strand, the complement: CFAP43 is on the minus strand). VCF-style: chr10-104185057-C-A. GRCh37 (hg19) VCF-style: chr10-105944815-C-A.
Identifiers: ClinVar variation 710445 (VCV000710445.15), dbSNP rs145800519, ClinGen allele CA5680728.